The following is an entry in ClinVar:

NM_000057.4(BLM):c.632C>T (p.Pro211Leu)

Gene: BLM (BLM RecQ like helicase; plus strand). Cytogenetic location: 15q26.1.
Variant type: single nucleotide variant.
Coding change: c.632C>T on transcript NM_000057.4 (MANE Select); coding-DNA position 632, C replaced by T.
Protein change: p.Pro211Leu; replaces proline 211 with leucine.
Molecular consequence: missense variant. On other transcripts: 5 prime UTR variant (1).
Genome position (GRCh38, 1-based): chr15:90,749,900, C>T. VCF-style: chr15-90749900-C-T. GRCh37 (hg19) VCF-style: chr15-91293130-C-T.
Other names: c.632C>T (NM_000057.2); c.632C>T, p.Pro211Leu (NM_001287246.2, NM_001287247.2); c.-660C>T (NM_001287248.2); short protein forms P211L.
Identifiers: ClinVar variation 1063075 (VCV001063075.13), dbSNP rs758478914, ClinGen allele CA7738317.

ClinVar aggregate classification (germline): Uncertain significance. Review status: criteria provided, multiple submitters, no conflicts (2 of 4 stars). 3 submissions from 3 submitters: Uncertain significance (2). 1 of the submissions does not count toward it. Last evaluated 2024-06-05.

Conditions:
Hereditary cancer-predisposing syndrome. Also called: Hereditary Cancer Syndrome; Hereditary neoplastic syndrome; Neoplastic Syndromes, Hereditary; Tumor predisposition. Identifiers: Orphanet 140162, MedGen C0027672, MeSH D009386, MONDO:0015356.
Bloom syndrome (BLM). Also called: Bloom-Torre-Machacek syndrome. Identifiers: Orphanet 125, MedGen C0005859, MONDO:0008876, OMIM 210900.

Allele frequency attached by ClinVar (database versions not stated): gnomAD exomes 0.00001; ExAC 0.00002.
gnomAD v4.1: 3 of 1,612,624 alleles (0.00019%); highest among the groups gnomAD compares: Admixed American, 0.0033%; no homozygotes.

Submissions (3):

Labcorp Genetics (formerly Invitae), Labcorp
Classification: Uncertain significance for Bloom syndrome. Last evaluated: 2024-06-05. Review status: criteria provided, single submitter. Criteria: Invitae Variant Classification Sherloc (09022015). Collection method: clinical testing. Allele origin: germline.
Comment: This sequence change replaces proline, which is neutral and non-polar, with leucine, which is neutral and non-polar, at codon 211 of the BLM protein (p.Pro211Leu). This variant is present in population databases (rs758478914, gnomAD 0.006%). This variant has not been reported in the literature in individuals affected with BLM-related conditions. ClinVar contains an entry for this variant (Variation ID: 1063075). An algorithm developed to predict the effect of missense changes on protein structure and function (PolyPhen-2) suggests that this variant¬†is likely to be tolerated. In summary, the available evidence is currently insufficient to determine the role of this variant in disease. Therefore, it has been classified as a Variant of Uncertain Significance.

Ambry Genetics
Classification: Uncertain significance for Hereditary cancer-predisposing syndrome. Last evaluated: 2024-02-22. Review status: criteria provided, single submitter. Criteria: Ambry Variant Classification Scheme 2023. Collection method: clinical testing. Allele origin: germline.
Comment: The p.P211L variant (also known as c.632C>T), located in coding exon 2 of the BLM gene, results from a C to T substitution at nucleotide position 632. The proline at codon 211 is replaced by leucine, an amino acid with similar properties. This amino acid position is conserved. In addition, this alteration is predicted to be tolerated by in silico analysis. Since supporting evidence is limited at this time, the clinical significance of this alteration remains unclear.

Natera, Inc.
Classification: Uncertain significance for Bloom syndrome. Last evaluated: 2021-01-22. Review status: no assertion criteria provided. Collection method: clinical testing. Allele origin: germline. Not counted in ClinVar's aggregate classification.